The following is an entry in ClinVar:

NM_001130009.3(GEN1):c.1682A>C (p.Lys561Thr)

Gene: GEN1 (GEN1 Holliday junction 5' flap endonuclease; plus strand). Cytogenetic location: 2p24.2.
Variant type: single nucleotide variant.
Coding change: c.1682A>C on transcript NM_001130009.3 (MANE Select); coding-DNA position 1682, A replaced by C.
Protein change: p.Lys561Thr; replaces lysine 561 with threonine.
Molecular consequence: missense variant.
Genome position (GRCh38, 1-based): chr2:17,780,894, A>C. VCF-style: chr2-17780894-A-C. GRCh37 (hg19) VCF-style: chr2-17962161-A-C.
Other names: c.1682A>C, p.Lys561Thr (NM_182625.5); short protein forms K561T.
Identifiers: ClinVar variation 3853490 (VCV003853490.1).

ClinVar aggregate classification (germline): Uncertain significance (1 of 4 stars; one submission).

Submission:

Ambry Genetics
Classification: Uncertain significance. Last evaluated: 2025-01-07. Review status: criteria provided, single submitter. Criteria: Ambry Variant Classification Scheme 2023. Collection method: clinical testing. Allele origin: germline.
Comment: The p.K561T variant (also known as c.1682A>C), located in coding exon 13 of the GEN1 gene, results from an A to C substitution at nucleotide position 1682. The lysine at codon 561 is replaced by threonine, an amino acid with similar properties. This amino acid position is conserved. In addition, this alteration is predicted to be tolerated by in silico analysis. Based on the available evidence, the clinical significance of this variant remains unclear.